The following is an entry in ClinVar:

NM_001039213.4(CEACAM16):c.617C>G (p.Pro206Arg)

Genes: CEACAM16 (CEA cell adhesion molecule 16, tectorial membrane component; plus strand), CEACAM16-AS1 (CEACAM16, CEACAM19 and PVR antisense RNA 1; minus strand). Cytogenetic location: 19q13.32.
Variant type: single nucleotide variant.
Coding change: c.617C>G on transcript NM_001039213.4 (MANE Select); coding-DNA position 617, C replaced by G.
Protein change: p.Pro206Arg; replaces proline 206 with arginine.
Molecular consequence: missense variant.
Genome position (GRCh38, 1-based): chr19:44,704,252, C>G. VCF-style: chr19-44704252-C-G. GRCh37 (hg19) VCF-style: chr19-45207522-C-G.
Other names: short protein forms P206R.
Identifiers: ClinVar variation 4979872 (VCV004979872.1).

ClinVar aggregate classification (germline): Uncertain significance (1 of 4 stars; one submission).

Conditions:
CEACAM16-related disorder. Also called: CEACAM16-related condition.

gnomAD v4.1: 13 of 1,539,480 alleles (0.00084%); highest among the groups gnomAD compares: East Asian, 0.029%; no homozygotes.

Submission:

PreventionGenetics, part of Exact Sciences
Classification: Uncertain significance for CEACAM16-related condition. Last evaluated: 2025-07-20. Review status: criteria provided, single submitter. Criteria: ACMG Guidelines, 2015. Collection method: clinical testing. Allele origin: germline.
Comment: The CEACAM16 c.617C>G variant is predicted to result in the amino acid substitution p.Pro206Arg. To our knowledge, this variant has not been reported in the literature. This variant is reported in 0.056% of alleles in individuals of East Asian descent in gnomAD. Although we suspect that this variant may be benign, at this time, the clinical significance of this variant is uncertain due to the absence of conclusive functional and genetic evidence.